The following is an entry in ClinVar:

ClinVar aggregate classification (germline): Conflicting classifications of pathogenicity. Review status: criteria provided, conflicting classifications (1 of 4 stars). 4 submissions from 4 submitters: Uncertain significance (3); Likely benign (1). Last evaluated 2025-12-31.

Conditions:
Adams-Oliver syndrome 5 (AOS5). Identifiers: Orphanet 974, MedGen C4014970, MONDO:0014459, OMIM 616028.
Familial thoracic aortic aneurysm and aortic dissection (TAAD). Also called: Thoracic aortic aneurysms and dissections. Identifiers: Orphanet 91387, MedGen C4707243, MONDO:0019625.
Aortic valve disease 1 (AOVD1). Identifiers: MedGen C3887892, MONDO:0024523, OMIM 109730.

Allele frequency attached by ClinVar (database versions not stated): gnomAD exomes 0.00006 and 0.00009; TOPMed 0.00009; gnomAD 0.00010 and 0.00011; ExAC 0.00014; ESP Exome Variant Server 0.00016.
gnomAD v4.1: 109 of 1,612,794 alleles (0.0068%); highest among the groups gnomAD compares: Non-Finnish European, 0.0083%; no homozygotes.

Submissions (4):

Labcorp Genetics (formerly Invitae), Labcorp
Classification: Likely benign for Adams-Oliver syndrome 5. Last evaluated: 2025-12-31. Review status: criteria provided, single submitter. Criteria: Invitae Variant Classification Sherloc (09022015). Collection method: clinical testing. Allele origin: germline.

Ambry Genetics
Classification: Uncertain significance for Familial thoracic aortic aneurysm and aortic dissection. Last evaluated: 2025-04-13. Review status: criteria provided, single submitter. Criteria: Ambry Variant Classification Scheme 2023. Collection method: clinical testing. Allele origin: germline.
Comment: The p.R2313Q variant (also known as c.6938G>A), located in coding exon 34 of the NOTCH1 gene, results from a G to A substitution at nucleotide position 6938. The arginine at codon 2313 is replaced by glutamine, an amino acid with highly similar properties. This alteration was reported in an individual with hypoplastic left heart syndrome and classified as variant of unknown significance (Kerstjens-Frederikse WS et al. Genet. Med., 2016 Sep;18:914-23). This amino acid position is well conserved in available vertebrate species; however, glutamine is the reference amino acid in other vertebrate species. In addition, the in silico prediction for this alteration is inconclusive. Since supporting evidence is limited at this time, the clinical significance of this alteration remains unclear.

GeneDx
Classification: Uncertain significance. Last evaluated: 2024-12-19. Review status: criteria provided, single submitter. Criteria: GeneDx Variant Classification Process June 2021. Collection method: clinical testing. Allele origin: germline. Affected: yes.
Comment: In silico analysis indicates that this missense variant does not alter protein structure/function; This variant is associated with the following publications: (PMID: 32361481, 26820064)

Molecular Genetics, Royal Melbourne Hospital
Classification: Uncertain significance for Aortic valve disease 1. Last evaluated: 2023-09-04. Review status: criteria provided, single submitter. Criteria: ACMG Guidelines, 2015. Collection method: clinical testing. Allele origin: germline. Inheritance: Autosomal dominant inheritance.

Literature cited by the submitters: PubMed 26820064 (cited by Ambry Genetics).

NM_017617.5(NOTCH1):c.6938G>A (p.Arg2313Gln)

Gene: NOTCH1 (notch receptor 1; minus strand). Cytogenetic location: 9q34.3.
Variant type: single nucleotide variant.
Coding change: c.6938G>A on transcript NM_017617.5 (MANE Select); coding-DNA position 6938, G replaced by A.
Protein change: p.Arg2313Gln; replaces arginine 2313 with glutamine.
Molecular consequence: missense variant.
Genome position (GRCh38, 1-based): chr9:136,496,801, C>T on the plus strand (G>A on the coding strand, the complement: NOTCH1 is on the minus strand). VCF-style: chr9-136496801-C-T. GRCh37 (hg19) VCF-style: chr9-139391253-C-T.
Other names: c.6938G>A, p.Arg2313Gln (LRG_1122t1); short protein forms R2313Q.
Identifiers: ClinVar variation 409050 (VCV000409050.20), dbSNP rs371069660, ClinGen allele CA5339787.